The following is an entry in ClinVar:

NM_000548.5(TSC2):c.3286T>C (p.Ser1096Pro)

Gene: TSC2 (TSC complex subunit 2; plus strand). Cytogenetic location: 16p13.3.
Variant type: single nucleotide variant.
Coding change: c.3286T>C on transcript NM_000548.5 (MANE Select); coding-DNA position 3286, T replaced by C.
Protein change: p.Ser1096Pro; replaces serine 1096 with proline.
Molecular consequence: missense variant.
Genome position (GRCh38, 1-based): chr16:2,079,558, T>C. VCF-style: chr16-2079558-T-C. GRCh37 (hg19) VCF-style: chr16-2129559-T-C.
Other names: c.3154T>C, p.Ser1052Pro (NM_001077183.3, NM_001370404.1); c.3286T>C, p.Ser1096Pro (NM_001114382.3); c.3046T>C, p.Ser1016Pro (NM_001318827.2); c.3010T>C, p.Ser1004Pro (NM_001318829.2); c.2554T>C, p.Ser852Pro (NM_001318831.2); c.3187T>C, p.Ser1063Pro (NM_001318832.2); c.3157T>C, p.Ser1053Pro (NM_001363528.2, NM_001370405.1, NM_021055.3); short protein forms S1096P, S1053P, S1004P, S1016P, S852P, S1052P, S1063P.
Identifiers: ClinVar variation 535856 (VCV000535856.15), dbSNP rs755815612, ClinGen allele CA045529.
Genomic context (GRCh38, chr16:2,079,558, plus strand): 5'-GGCACCCTCGTACCAGCCTGGGGACTAAGTCCACCCTGTGCGTGGGATTCTCTTCTCAGC[T>C]CCAGCCCCGGGGTGCATGTGAGACAGACCAAGGAGGCGCCGGCCAAGCTGGAGTCCCAGG-3'
Protein context (NP_000539.2, residues 1086-1106): GELQSGPESS[Ser1096Pro]SPGVHVRQTK

ClinVar aggregate classification (germline): Conflicting classifications of pathogenicity. Review status: criteria provided, conflicting classifications (1 of 4 stars). 4 submissions from 4 submitters: Uncertain significance (3); Likely benign (1). Last evaluated 2025-12-15.

Conditions:
Tuberous sclerosis syndrome (TSC). Also called: Tuberous Sclerosis Complex; Tuberous sclerosis. Identifiers: Orphanet 805, MedGen C0041341, MONDO:0001734.
Hereditary cancer-predisposing syndrome. Also called: Neoplastic Syndromes, Hereditary; Hereditary neoplastic syndrome; Tumor predisposition; Hereditary Cancer Syndrome. Identifiers: Orphanet 140162, MedGen C0027672, MeSH D009386, MONDO:0015356.
Tuberous sclerosis 2 (TSC2). Identifiers: Orphanet 805, MedGen C1860707, MONDO:0013199, OMIM 613254.

Allele frequency attached by ClinVar (database versions not stated): ExAC 0.00001; gnomAD 0.00001; gnomAD exomes 0.00001; TOPMed 0.00002.
gnomAD v4.1: 3 of 1,609,484 alleles (0.00019%); highest among the groups gnomAD compares: African/African-American, 0.0027%; no homozygotes.

Submissions (4):

Labcorp Genetics (formerly Invitae), Labcorp
Classification: Likely benign for Tuberous sclerosis 2. Last evaluated: 2025-12-15. Review status: criteria provided, single submitter. Criteria: Invitae Variant Classification Sherloc (09022015). Collection method: clinical testing. Allele origin: germline.

Ambry Genetics
Classification: Uncertain significance for Hereditary cancer-predisposing syndrome. Last evaluated: 2025-05-15. Review status: criteria provided, single submitter. Criteria: Ambry Variant Classification Scheme 2023. Collection method: clinical testing. Allele origin: germline.
Comment: The p.S1096P variant (also known as c.3286T>C), located in coding exon 28 of the TSC2 gene, results from a T to C substitution at nucleotide position 3286. The serine at codon 1096 is replaced by proline, an amino acid with similar properties. This amino acid position is not well conserved in available vertebrate species. In addition, the in silico prediction for this alteration is inconclusive. Since supporting evidence is limited at this time, the clinical significance of this alteration remains unclear.

All of Us Research Program, National Institutes of Health
Classification: Uncertain significance for Tuberous sclerosis syndrome. Last evaluated: 2024-02-05. Review status: criteria provided, single submitter. Criteria: ACMG Guidelines, 2015. Collection method: clinical testing. Allele origin: germline. Inheritance: Autosomal dominant inheritance. Observed: 1 variant allele, 1 heterozygote.
Comment: This missense variant replaces serine with proline at codon 1096 of the TSC2 protein. Computational prediction suggests that this variant may not impact protein structure and function (internally defined REVEL score threshold <= 0.5, PMID: 27666373). To our knowledge, functional studies have not been reported for this variant. This variant has not been reported in individuals affected with TSC2-related disorders in the literature. This variant has been identified in 3/272124 chromosomes in the general population by the Genome Aggregation Database (gnomAD). The available evidence is insufficient to determine the role of this variant in disease conclusively. Therefore, this variant is classified as a Variant of Uncertain Significance.

This study involves interpretation of variants in research participants for the purpose of population health screening. Participant phenotype was not available at the time of variant classification. Additional details can be found in publication PMID: 35346344, PMCID: PMC8962531

GeneDx
Classification: Uncertain significance. Last evaluated: 2023-12-23. Review status: criteria provided, single submitter. Criteria: GeneDx Variant Classification Process June 2021. Collection method: clinical testing. Allele origin: germline. Affected: yes.
Comment: In silico analysis supports that this missense variant does not alter protein structure/function; Has not been previously published as pathogenic or benign to our knowledge; In silico analysis is inconclusive as to whether the variant alters gene splicing. In the absence of RNA/functional studies, the actual effect of this sequence change is unknown.